The following is an entry in ClinVar:

NM_001323289.2(CDKL5):c.1414A>G (p.Thr472Ala)

Gene: CDKL5 (cyclin dependent kinase like 5; plus strand). Cytogenetic location: Xp22.13.
Variant type: single nucleotide variant.
Coding change: c.1414A>G on transcript NM_001323289.2 (MANE Select); coding-DNA position 1414, A replaced by G.
Protein change: p.Thr472Ala; replaces threonine 472 with alanine.
Molecular consequence: missense variant.
Genome position (GRCh38, 1-based): chrX:18,604,338, A>G. VCF-style: chrX-18604338-A-G. GRCh37 (hg19) VCF-style: chrX-18622458-A-G.
Other names: c.1414A>G, p.Thr472Ala (NM_001037343.2, NM_003159.3); short protein forms T472A.
Identifiers: ClinVar variation 3489606 (VCV003489606.3).
Genomic context (GRCh38, chrX:18,604,338, plus strand): 5'-CAAAGCAAAGCTGGGACACTGCAGCCCAATGAAAAGCAGAGTCGGCATAGCTATATTGAC[A>G]CAATTCCCCAGTCCTCTAGGAGTCCCTCCTACAGGACCAAGGCCAAAAGCCATGGGGCAC-3'
Protein context (NP_001310218.1, residues 462-482): EKQSRHSYID[Thr472Ala]IPQSSRSPSY

ClinVar aggregate classification (germline): Uncertain significance. Review status: criteria provided, multiple submitters, no conflicts (2 of 4 stars). 2 submissions from 2 submitters: Uncertain significance (2). Last evaluated 2024-11-26.

Conditions:
Angelman syndrome-like. Identifiers: MedGen CN128785.
Developmental and epileptic encephalopathy, 2 (DEE2). Also called: INFANTILE SPASM SYNDROME, X-LINKED 2; CDKL5 deficiency disorder. Identifiers: Orphanet 1934, Orphanet 3451, Orphanet 505652, MedGen C4750718, MONDO:0010396, OMIM 300672.
Inborn genetic diseases. Identifiers: MedGen C0950123, MeSH D030342.

gnomAD v4.1: 1 of 1,209,863 alleles (0.000083%); highest among the groups gnomAD compares: Non-Finnish European, 0.00011%; no homozygotes.

Submissions (2):

Ambry Genetics
Classification: Uncertain significance for Inborn genetic diseases. Last evaluated: 2024-11-26. Review status: criteria provided, single submitter. Criteria: Ambry Variant Classification Scheme 2023. Collection method: clinical testing. Allele origin: germline.

Labcorp Genetics (formerly Invitae), Labcorp
Classification: Uncertain significance for Developmental and epileptic encephalopathy, 2; Angelman syndrome-like. Last evaluated: 2024-06-13. Review status: criteria provided, single submitter. Criteria: Invitae Variant Classification Sherloc (09022015). Collection method: clinical testing. Allele origin: germline.
Comment: This sequence change replaces threonine, which is neutral and polar, with alanine, which is neutral and non-polar, at codon 472 of the CDKL5 protein (p.Thr472Ala). This variant is not present in population databases (gnomAD no frequency). This variant has not been reported in the literature in individuals affected with CDKL5-related conditions. Advanced modeling of protein sequence and biophysical properties (such as structural, functional, and spatial information, amino acid conservation, physicochemical variation, residue mobility, and thermodynamic stability) performed at Invitae indicates that this missense variant is not expected to disrupt CDKL5 protein function with a negative predictive value of 95%. In summary, the available evidence is currently insufficient to determine the role of this variant in disease. Therefore, it has been classified as a Variant of Uncertain Significance.